The following is an entry in ClinVar:

ClinVar aggregate classification (germline): Uncertain significance. Review status: criteria provided, multiple submitters, no conflicts (2 of 4 stars). 3 submissions from 3 submitters: Uncertain significance (3). Last evaluated 2025-11-26.

Conditions:
Inborn genetic diseases. Identifiers: MedGen C0950123, MeSH D030342.
Renal tubular dysgenesis. Also called: Renotubular dysgenesis. Identifiers: Orphanet 3033, MedGen C0266313, MONDO:0017609, HP:0008660.

Allele frequency attached by ClinVar (database versions not stated): ESP Exome Variant Server 0.00008; gnomAD exomes 0.00009 and 0.00031; gnomAD 0.00012; TOPMed 0.00029; ExAC 0.00031; 1000 Genomes Project 0.00040; 1000 Genomes Project 30x 0.00047.

Submissions (3):

Ambry Genetics
Classification: Uncertain significance for Inborn genetic diseases. Last evaluated: 2025-11-26. Review status: criteria provided, single submitter. Criteria: Ambry Variant Classification Scheme 2023. Collection method: clinical testing. Allele origin: germline.

Labcorp Genetics (formerly Invitae), Labcorp
Classification: Uncertain significance. Last evaluated: 2025-04-24. Review status: criteria provided, single submitter. Criteria: Invitae Variant Classification Sherloc (09022015). Collection method: clinical testing. Allele origin: germline.
Comment: This sequence change replaces valine, which is neutral and non-polar, with isoleucine, which is neutral and non-polar, at codon 406 of the ACE protein (p.Val406Ile). This variant is present in population databases (rs201117983, gnomAD 0.1%). This variant has not been reported in the literature in individuals affected with ACE-related conditions. ClinVar contains an entry for this variant (Variation ID: 324375). Invitae Evidence Modeling of protein sequence and biophysical properties (such as structural, functional, and spatial information, amino acid conservation, physicochemical variation, residue mobility, and thermodynamic stability) indicates that this missense variant is not expected to disrupt ACE protein function with a negative predictive value of 80%. In summary, the available evidence is currently insufficient to determine the role of this variant in disease. Therefore, it has been classified as a Variant of Uncertain Significance.

Illumina Laboratory Services, Illumina
Classification: Uncertain significance for Renal tubular dysgenesis of genetic origin. Last evaluated: 2018-01-13. Review status: criteria provided, single submitter. Criteria: ICSL Variant Classification Criteria 13 December 2019. Collection method: clinical testing. Allele origin: germline.

NM_000789.4(ACE):c.1216G>A (p.Val406Ile)

Gene: ACE (angiotensin I converting enzyme; plus strand). Cytogenetic location: 17q23.3.
Variant type: single nucleotide variant.
Coding change: c.1216G>A on transcript NM_000789.4 (MANE Select); coding-DNA position 1216, G replaced by A.
Protein change: p.Val406Ile; replaces valine 406 with isoleucine.
Molecular consequence: missense variant.
Genome position (GRCh38, 1-based): chr17:63,482,563, G>A. VCF-style: chr17-63482563-G-A. GRCh37 (hg19) VCF-style: chr17-61559924-G-A.
Other names: short protein forms V406I.
Identifiers: ClinVar variation 324375 (VCV000324375.8), dbSNP rs201117983, ClinGen allele CA8699443.